The following is an entry in ClinVar:

NM_001386393.1(PANK2):c.1379C>T (p.Pro460Leu)

Gene: PANK2 (pantothenate kinase 2; plus strand). Cytogenetic location: 20p13.
Variant type: single nucleotide variant.
Coding change: c.1379C>T on transcript NM_001386393.1 (MANE Select); coding-DNA position 1379, C replaced by T.
Protein change: p.Pro460Leu; replaces proline 460 with leucine.
Molecular consequence: missense variant. On other transcripts: non-coding transcript variant (1).
Genome position (GRCh38, 1-based): chr20:3,923,290, C>T. VCF-style: chr20-3923290-C-T. GRCh37 (hg19) VCF-style: chr20-3903937-C-T.
Other names: c.836C>T, p.Pro279Leu (NM_001324191.2, NM_024960.6, NM_153640.4); c.401C>T, p.Pro134Leu (NM_001324193.2); c.1709C>T, p.Pro570Leu (NM_153638.4); short protein forms P570L, P134L, P279L, P460L.
Identifiers: ClinVar variation 570102 (VCV000570102.43), dbSNP rs41279408, ClinGen allele CA9750964.

ClinVar aggregate classification (germline): Conflicting classifications of pathogenicity. Review status: criteria provided, conflicting classifications (1 of 4 stars). 7 submissions from 7 submitters: Likely pathogenic (1); Uncertain significance (6). Last evaluated 2026-04-14.

Conditions:
Pigmentary pallidal degeneration (NBIA1). Also called: Pantothenate Kinase-Associated Neurodegeneration; PKAN NEUROAXONAL DYSTROPHY, JUVENILE-ONSET; Neuroaxonal dystrophy, late infantile; Hallervorden-Spatz disease; Neurodegeneration with brain iron accumulation 1; HARP SYNDROME. Identifiers: Orphanet 157850, MedGen C0018523, MONDO:0009319, OMIM 234200.
Hypoprebetalipoproteinemia, acanthocytosis, retinitis pigmentosa, and pallidal degeneration. Identifiers: MedGen C1846582, MONDO:0011798.

Allele frequency attached by ClinVar (database versions not stated): TOPMed 0.00006; ESP Exome Variant Server 0.00008; gnomAD 0.00010 and 0.00011; ExAC 0.00012; gnomAD exomes 0.00012 and 0.00014; 1000 Genomes Project 30x 0.00016; 1000 Genomes Project 0.00020.
gnomAD v4.1: 230 of 1,614,100 alleles (0.014%); highest among the groups gnomAD compares: Middle Eastern, 0.05%; no homozygotes.

Submissions (7):

Women's Health and Genetics/Laboratory Corporation of America, LabCorp
Classification: Uncertain significance. Last evaluated: 2026-04-14. Review status: criteria provided, single submitter. Criteria: LabCorp Variant Classification Summary - May 2015. Collection method: clinical testing. Allele origin: germline.
Comment: Variant summary: PANK2 c.1709C>T (p.Pro570Leu) results in a non-conservative amino acid change in the encoded protein sequence. Algorithms developed to predict the effect of missense changes on protein structure and function all suggest that this variant is likely to be disruptive. The variant allele was found at a frequency of 0.00012 in 251484 control chromosomes. This frequency is not significantly higher than estimated for disease-causing variants in PANK2, allowing no conclusion about variant significance. c.1709C>T has been observed in individuals affected with clinical features of Pantothenate Kinase-Associated Neurodegeneration (Hayflick_2003, Aggarwal_2010, Lee_2020). These data indicate that the variant may be associated with disease. To our knowledge, no experimental evidence demonstrating an impact on protein function has been reported. The following publications have been ascertained in the context of this evaluation (PMID: 20629144, 12510040, 33072517, 37188304). ClinVar contains an entry for this variant (Variation ID: 570102). Based on the evidence outlined above, the variant was classified as VUS-possibly pathogenic.

GeneDx
Classification: Uncertain significance. Last evaluated: 2025-10-14. Review status: criteria provided, single submitter. Criteria: GeneDx Variant Classification Process June 2021. Collection method: clinical testing. Allele origin: germline. Affected: yes.
Comment: Reported previously in a patient with tremors in the lower extremities, balance difficulties, shuffling gait, and abnormal brain MRI, who also harbored a second variant (phase unknown) (PMID: 33072517); Reported previously, using alternate nomenclature, on one allele in a patient with atypical Hallervorden-Spatz syndrome; however, no further clinical or segregation information was provided (PMID: 12510040); In silico analysis suggests that this missense variant does not alter protein structure/function; This variant is associated with the following publications: (PMID: 34426522, 12510040, 31540697, 33072517, 20629144)

Concord Molecular Medicine Laboratory, Concord Repatriation General Hospital
Classification: Uncertain significance for Pigmentary pallidal degeneration. Last evaluated: 2025-02-18. Review status: criteria provided, single submitter. Criteria: ACMG Guidelines, 2015. Collection method: clinical testing. Allele origin: germline. Inheritance: Autosomal recessive inheritance. Affected: yes. Observed: 1 compound heterozygote.
Comment: This variant has been reported in compound heterozygous state in multiple individuals with NBIA. In silico analysis by REVEL did not predict a pathogenic effect (score 0.58). The variant is present at low frequency in control population database (gnomAD v4.1.0; 0.014%).

Blueprint Genetics
Classification: Uncertain significance. Last evaluated: 2024-10-28. Review status: criteria provided, single submitter. Criteria: ACMG Guidelines, 2015. Collection method: clinical testing. Allele origin: germline.

Labcorp Genetics (formerly Invitae), Labcorp
Classification: Uncertain significance for Pigmentary pallidal degeneration. Last evaluated: 2022-07-05. Review status: criteria provided, single submitter. Criteria: Invitae Variant Classification Sherloc (09022015). Collection method: clinical testing. Allele origin: germline.
Comment: This sequence change replaces proline, which is neutral and non-polar, with leucine, which is neutral and non-polar, at codon 570 of the PANK2 protein (p.Pro570Leu). This variant is present in population databases (rs41279408, gnomAD 0.05%). This missense change has been observed in individual(s) with PANK2-related conditions (PMID: 12510040, 20629144, 33072517). This variant is also known as c.1379C>T (p.Pro460Leu). ClinVar contains an entry for this variant (Variation ID: 570102). Algorithms developed to predict the effect of missense changes on protein structure and function (SIFT, PolyPhen-2, Align-GVGD) all suggest that this variant is likely to be tolerated. In summary, the available evidence is currently insufficient to determine the role of this variant in disease. Therefore, it has been classified as a Variant of Uncertain Significance.

CeGaT Center for Human Genetics Tuebingen
Classification: Likely pathogenic. Last evaluated: 2021-10-01. Review status: criteria provided, single submitter. Criteria: CeGaT Center For Human Genetics Tuebingen Variant Classification Criteria Version 2. Collection method: clinical testing. Allele origin: germline. Affected: yes. Observed: 2 variant alleles.

Fulgent Genetics
Classification: Uncertain significance for Pigmentary pallidal degeneration. Last evaluated: 2018-10-31. Review status: criteria provided, single submitter. Criteria: ACMG Guidelines, 2015. Collection method: clinical testing. Allele origin: unknown.

Literature cited by the submitters: PubMed 12510040 (cited by 3 submitters); PubMed 33072517 (cited by 3 submitters); PubMed 20629144 (cited by 3 submitters); PubMed 37188304 (cited by Women's Health and Genetics/Laboratory Corporation of America, LabCorp); PubMed 31540697 (cited by Concord Molecular Medicine Laboratory, Concord Repatriation General Hospital).